The following is an entry in ClinVar:

NM_001039803.3(CDK20):c.843G>A (p.Lys281=)

Gene: CDK20 (cyclin dependent kinase 20; minus strand). Cytogenetic location: 9q22.1.
Variant type: single nucleotide variant.
Coding change: c.843G>A on transcript NM_001039803.3 (MANE Select); coding-DNA position 843, G replaced by A.
Protein change: p.Lys281=; no amino-acid change (lysine 281 retained).
Molecular consequence: synonymous variant. On other transcripts: missense variant (1).
Genome position (GRCh38, 1-based): chr9:87,969,194, C>T on the plus strand (G>A on the coding strand, the complement: CDK20 is on the minus strand). VCF-style: chr9-87969194-C-T. GRCh37 (hg19) VCF-style: chr9-90584109-C-T.
Other names: c.780G>A, p.Lys260= (NM_001170639.2, NM_012119.5); c.656G>A, p.Arg219Lys (NM_001170640.2); c.819G>A, p.Lys273= (NM_178432.4); short protein forms R219K.
Identifiers: ClinVar variation 4852897 (VCV004852897.1).

ClinVar aggregate classification (germline): Uncertain significance (1 of 4 stars; one submission).

gnomAD v4.1: 14 of 1,613,670 alleles (0.00087%); highest among the groups gnomAD compares: South Asian, 0.014%; no homozygotes.

Submission:

Care4Rare-SOLVE, CHEO
Classification: Uncertain significance. Last evaluated: 2026-05-29. Review status: criteria provided, single submitter. Criteria: ACMG Guidelines, 2015. Collection method: clinical testing. Allele origin: biparental. Inheritance: Autosomal recessive inheritance. Affected: yes.
Comment: The c.843G>A variant is rare in gnomAD v4.1 (14/1,613,670 alleles; AF=0.00087%) with no homozygotes. The variant is predicted to affect splicing by causing loss of the donor site (SpliceAI score 0.51), likely resulting in skipping of exon 7. Although exon 7 is in-frame, its loss would remove approximately 15% of the CDK20 protein including a portion of its conserved serine/threonine kinase domain, thus predicted to have a deleterious effect.